The following is an entry in ClinVar:

ClinVar aggregate classification (germline): Uncertain significance. Review status: criteria provided, multiple submitters, no conflicts (2 of 4 stars). 2 submissions from 2 submitters: Uncertain significance (2). Last evaluated 2026-01-11.

Conditions:
Ullrich congenital muscular dystrophy 2 (UCMD2). Identifiers: Orphanet 75840, MedGen C4225314, MONDO:0014654, OMIM 616470.
Bethlem myopathy 2 (BTHLM2). Identifiers: Orphanet 536516, Orphanet 610, MedGen C4225313, MONDO:0034022, OMIM 616471.

Allele frequency attached by ClinVar (database versions not stated): ExAC 0.00002; gnomAD 0.00001; gnomAD exomes 0.00001 and 0.00004; TOPMed 0.00002.
gnomAD v4.1: 61 of 1,562,214 alleles (0.0039%); highest among the groups gnomAD compares: Non-Finnish European, 0.0049%; no homozygotes.

Submissions (2):

Labcorp Genetics (formerly Invitae), Labcorp
Classification: Uncertain significance for Bethlem myopathy 2; Ullrich congenital muscular dystrophy 2. Last evaluated: 2026-01-11. Review status: criteria provided, single submitter. Criteria: Invitae Variant Classification Sherloc (09022015). Collection method: clinical testing. Allele origin: germline.
Comment: This sequence change replaces valine, which is neutral and non-polar, with isoleucine, which is neutral and non-polar, at codon 2640 of the COL12A1 protein (p.Val2640Ile). The frequency data for this variant in the population databases is considered unreliable, as metrics indicate poor data quality at this position in the gnomAD database. This variant has not been reported in the literature in individuals affected with COL12A1-related conditions. ClinVar contains an entry for this variant (Variation ID: 1042090). Invitae Evidence Modeling of protein sequence and biophysical properties (such as structural, functional, and spatial information, amino acid conservation, physicochemical variation, residue mobility, and thermodynamic stability) indicates that this missense variant is not expected to disrupt COL12A1 protein function with a negative predictive value of 80%. In summary, the available evidence is currently insufficient to determine the role of this variant in disease. Therefore, it has been classified as a Variant of Uncertain Significance.

Revvity Omics, Revvity
Classification: Uncertain significance. Last evaluated: 2025-08-07. Review status: criteria provided, single submitter. Criteria: ACMG Guidelines, 2015. Collection method: clinical testing. Allele origin: germline.

NM_004370.6(COL12A1):c.7918G>A (p.Val2640Ile)

Gene: COL12A1 (collagen type XII alpha 1 chain; minus strand). Cytogenetic location: 6q13.
Variant type: single nucleotide variant.
Coding change: c.7918G>A on transcript NM_004370.6 (MANE Select); coding-DNA position 7918, G replaced by A.
Protein change: p.Val2640Ile; replaces valine 2640 with isoleucine.
Molecular consequence: missense variant.
Genome position (GRCh38, 1-based): chr6:75,113,236, C>T on the plus strand (G>A on the coding strand, the complement: COL12A1 is on the minus strand). VCF-style: chr6-75113236-C-T. GRCh37 (hg19) VCF-style: chr6-75822952-C-T.
Other names: c.4426G>A, p.Val1476Ile (NM_080645.3); short protein forms V1476I, V2640I.
Identifiers: ClinVar variation 1042090 (VCV001042090.11), dbSNP rs775684324, ClinGen allele CA3892429.